The following is an entry in ClinVar:

ClinVar aggregate classification (germline): Uncertain significance. Review status: criteria provided, multiple submitters, no conflicts (2 of 4 stars). 2 submissions from 2 submitters: Uncertain significance (2). Last evaluated 2025-02-07.

Allele frequency attached by ClinVar (database versions not stated): ExAC 0.00002; TOPMed 0.00002; gnomAD exomes 0.00004.
gnomAD v4.1: 26 of 1,614,046 alleles (0.0016%); highest among the groups gnomAD compares: Admixed American, 0.043%; no homozygotes.

Submissions (2):

Ambry Genetics
Classification: Uncertain significance. Last evaluated: 2025-02-07. Review status: criteria provided, single submitter. Criteria: Ambry Variant Classification Scheme 2023. Collection method: clinical testing. Allele origin: germline.

Labcorp Genetics (formerly Invitae), Labcorp
Classification: Uncertain significance. Last evaluated: 2024-02-24. Review status: criteria provided, single submitter. Criteria: Invitae Variant Classification Sherloc (09022015). Collection method: clinical testing. Allele origin: germline.
Comment: This sequence change replaces valine, which is neutral and non-polar, with leucine, which is neutral and non-polar, at codon 4845 of the HMCN1 protein (p.Val4845Leu). This variant is present in population databases (rs746258368, gnomAD 0.06%), and has an allele count higher than expected for a pathogenic variant. This variant has not been reported in the literature in individuals affected with HMCN1-related conditions. Algorithms developed to predict the effect of missense changes on protein structure and function output the following: SIFT: "Not Available"; PolyPhen-2: "Benign"; Align-GVGD: "Not Available". The leucine amino acid residue is found in multiple mammalian species, which suggests that this missense change does not adversely affect protein function. In summary, the available evidence is currently insufficient to determine the role of this variant in disease. Therefore, it has been classified as a Variant of Uncertain Significance.

NM_031935.3(HMCN1):c.14533G>C (p.Val4845Leu)

Gene: HMCN1 (hemicentin 1; plus strand). Cytogenetic location: 1q31.1.
Variant type: single nucleotide variant.
Coding change: c.14533G>C on transcript NM_031935.3 (MANE Select); coding-DNA position 14533, G replaced by C.
Protein change: p.Val4845Leu; replaces valine 4845 with leucine.
Molecular consequence: missense variant.
Genome position (GRCh38, 1-based): chr1:186,145,848, G>C. VCF-style: chr1-186145848-G-C. GRCh37 (hg19) VCF-style: chr1-186114980-G-C.
Other names: c.14533G>C (NM_031935.2); short protein forms V4845L.
Identifiers: ClinVar variation 2714649 (VCV002714649.4), dbSNP rs746258368, ClinGen allele CA1294980.